The following is an entry in ClinVar:

NM_005529.7(HSPG2):c.8929C>T (p.Arg2977Trp)

Gene: HSPG2 (heparan sulfate proteoglycan 2; minus strand). Cytogenetic location: 1p36.12.
Variant type: single nucleotide variant.
Coding change: c.8929C>T on transcript NM_005529.7 (MANE Select); coding-DNA position 8929, C replaced by T.
Protein change: p.Arg2977Trp; replaces arginine 2977 with tryptophan.
Molecular consequence: missense variant.
Genome position (GRCh38, 1-based): chr1:21,842,362, G>A on the plus strand (C>T on the coding strand, the complement: HSPG2 is on the minus strand). VCF-style: chr1-21842362-G-A. GRCh37 (hg19) VCF-style: chr1-22168855-G-A.
Other names: c.8932C>T, p.Arg2978Trp (NM_001291860.2); short protein forms R2977W, R2978W.
Identifiers: ClinVar variation 439807 (VCV000439807.55), dbSNP rs114851469, ClinGen allele CA670608.

ClinVar aggregate classification (germline): Benign/Likely benign. Review status: criteria provided, multiple submitters, no conflicts (2 of 4 stars). 10 submissions from 9 submitters: Benign (6); Likely benign (2). 2 of the submissions do not count toward it. Last evaluated 2026-05-01.

Conditions:
Connective tissue disorder. Also called: Connective tissue disease. Identifiers: MedGen C0009782, MONDO:0003900.
Lethal Kniest-like syndrome (DDSH). Also called: Dyssegmental Dysplasia. Identifiers: Orphanet 1865, MedGen C1857100, MONDO:0009140, OMIM 224410.
Schwartz-Jampel syndrome. Also called: Myotonic myopathy dwarfism chondrodystrophy and ocular and facial abnormalities. Identifiers: Orphanet 800, MedGen C0036391, MONDO:0009717.

Allele frequency attached by ClinVar (database versions not stated): 1000 Genomes Project 0.00399; 1000 Genomes Project 30x 0.00484; TOPMed 0.00708; gnomAD 0.00786 and 0.00796; ESP Exome Variant Server 0.00830; gnomAD exomes 0.00972 and 0.01114; ExAC 0.01095.
gnomAD v4.1: 17,511 of 1,608,024 alleles (1.1%); highest among the groups gnomAD compares: South Asian, 1.1%; 114 homozygotes.

Submissions (10):

CeGaT Center for Human Genetics Tuebingen
Classification: Benign. Last evaluated: 2026-05-01. Review status: criteria provided, single submitter. Criteria: CeGaT Center For Human Genetics Tuebingen Variant Classification Criteria Version 2. Collection method: clinical testing. Allele origin: germline. Affected: yes. Observed: 17 variant alleles.
Comment: HSPG2: BS1, BS2

Labcorp Genetics (formerly Invitae), Labcorp
Classification: Benign. Last evaluated: 2026-01-24. Review status: criteria provided, single submitter. Criteria: Invitae Variant Classification Sherloc (09022015). Collection method: clinical testing. Allele origin: germline.

ARUP Laboratories, Molecular Genetics and Genomics, ARUP Laboratories
Classification: Benign. Last evaluated: 2024-01-29. Review status: criteria provided, single submitter. Criteria: ARUP Molecular Germline Variant Investigation Process 2024. Collection method: clinical testing. Allele origin: germline.

Genome Diagnostics Laboratory, The Hospital for Sick Children
Classification: Benign for Connective tissue disorder. Last evaluated: 2021-11-01. Review status: criteria provided, single submitter. Criteria: ACMG Guidelines, 2015. Collection method: clinical testing. Allele origin: germline.

GeneDx
Classification: Likely benign. Last evaluated: 2021-07-19. Review status: criteria provided, single submitter. Criteria: GeneDx Variant Classification Process June 2021. Collection method: clinical testing. Allele origin: germline. Affected: yes.

Illumina Laboratory Services, Illumina
Classification: Benign for Lethal Kniest-like syndrome. Last evaluated: 2018-01-12. Review status: criteria provided, single submitter. Criteria: ICSL Variant Classification Criteria 13 December 2019. Collection method: clinical testing. Allele origin: germline.
Comment: This variant was observed in the ICSL laboratory as part of a predisposition screen in an ostensibly healthy population. It had not been previously curated by ICSL or reported in the Human Gene Mutation Database (HGMD: prior to June 1st, 2018), and was therefore a candidate for classification through an automated scoring system. Utilizing variant allele frequency, disease prevalence and penetrance estimates, and inheritance mode, an automated score was calculated to assess if this variant is too frequent to cause the disease. Based on the score and internal cut-off values, a variant classified as benign is not then subjected to further curation. The score for this variant resulted in a classification of benign for this disease.

Illumina Laboratory Services, Illumina
Classification: Benign for Schwartz-Jampel syndrome type 1. Last evaluated: 2018-01-12. Review status: criteria provided, single submitter. Criteria: ICSL Variant Classification Criteria 13 December 2019. Collection method: clinical testing. Allele origin: germline.
Comment: the same text as in the submission from Illumina Laboratory Services, Illumina above.

Breakthrough Genomics
Classification: Likely benign. Review status: criteria provided, single submitter. Criteria: ACMG Guidelines, 2015. Collection method: not provided. Allele origin: germline. Inheritance: Autosomal recessive inheritance. Affected: yes.

Genome Diagnostics Laboratory, University Medical Center Utrecht
Classification: Likely benign. Review status: no assertion criteria provided. Collection method: clinical testing. Allele origin: germline. Affected: yes. Study: VKGL Data-share Consensus. Not counted in ClinVar's aggregate classification.

Laboratory of Diagnostic Genome Analysis, Leiden University Medical Center (LUMC)
Classification: Likely benign. Review status: no assertion criteria provided. Collection method: clinical testing. Allele origin: germline. Affected: yes. Study: VKGL Data-share Consensus. Not counted in ClinVar's aggregate classification.